The following is an entry in ClinVar:

NM_152393.4(KLHL40):c.601_615del (p.Trp201_Gly205del)

Gene: KLHL40 (kelch like family member 40; plus strand). Cytogenetic location: 3p22.1.
Variant type: Deletion.
Coding change: c.601_615del on transcript NM_152393.4 (MANE Select); coding-DNA positions 601 to 615, 15 bases deleted (TGGGCGGGTAGCGGC).
Protein change: p.Trp201_Gly205del.
Molecular consequence: inframe deletion.
Genome position (GRCh38, 1-based): chr3:42,686,219-42,686,233, TGGGCGGGTAGCGGC deleted. VCF-style (leftmost placement, unchanged base first): chr3-42686218-GTGGGCGGGTAGCGGC-G. GRCh37 (hg19) VCF-style: chr3-42727710-GTGGGCGGGTAGCGGC-G.
Identifiers: ClinVar variation 2433164 (VCV002433164.3), dbSNP rs2471307895, ClinGen allele CA2580069842.
Genomic context (GRCh38, chr3:42,686,218, plus strand): 5'-CATCTCCAGCGACGGCCTTAACGTGGAGAAGGAGGAGGCAGTGTTCGAGGCGGTGATGCG[GTGGGCGGGTAGCGGC>G]GACGCCGAGGCGCAGGCTGAGCGCCAGCGCGCGCTGCCCACCGTCTTCGAGAGCGTGCGC-3'

ClinVar aggregate classification (germline): Uncertain significance. Review status: criteria provided, multiple submitters, no conflicts (2 of 4 stars). 2 submissions from 2 submitters: Uncertain significance (2). Last evaluated 2019-12-18.

Conditions:
Nemaline myopathy 8 (NEM8). Also called: Nemaline myopathy 8, autosomal recessive. Identifiers: Orphanet 171430, MedGen C3809209, MONDO:0014138, OMIM 615348.

Submissions (2):

Revvity Omics, Revvity
Classification: Uncertain significance for Nemaline myopathy 8. Last evaluated: 2019-12-18. Review status: criteria provided, single submitter. Criteria: ACMG Guidelines, 2015. Collection method: clinical testing. Allele origin: germline.

Suma Genomics
Classification: Uncertain significance for Nemaline myopathy 8. Review status: criteria provided, single submitter. Criteria: ACMG Guidelines, 2015. Collection method: clinical testing. Allele origin: germline. Inheritance: Autosomal recessive inheritance. Affected: yes. Observed: 1 homozygote.
Comment: A non-frameshift variant c.601_615del, p.(Trp201_Gly205del) is observed in exon 1 of KLHL40 in homozygous state. This variant is not observed in the gnomAD database. ACMG Classification: Variant of uncertain significance Criteria met: PM2_Supporting: Extremely low frequency in gnomAD population databases. PM4: Protein length changes resulting from in-frame deletions/insertions in a non-repeat region or a stop-loss variant